The following is an entry in ClinVar:

NM_001008537.3(NEXMIF):c.3063T>G (p.Asp1021Glu)

Gene: NEXMIF (neurite extension and migration factor; minus strand). Cytogenetic location: Xq13.3.
Variant type: single nucleotide variant.
Coding change: c.3063T>G on transcript NM_001008537.3 (MANE Select); coding-DNA position 3063, T replaced by G.
Protein change: p.Asp1021Glu; replaces aspartic acid 1021 with glutamic acid.
Molecular consequence: missense variant.
Genome position (GRCh38, 1-based): chrX:74,741,494, A>C on the plus strand (T>G on the coding strand, the complement: NEXMIF is on the minus strand). VCF-style: chrX-74741494-A-C. GRCh37 (hg19) VCF-style: chrX-73961329-A-C.
Other names: short protein forms D1021E.
Identifiers: ClinVar variation 4085968 (VCV004085968.9).

ClinVar aggregate classification (germline): Uncertain significance. Review status: criteria provided, multiple submitters, no conflicts (2 of 4 stars). 2 submissions from 2 submitters: Uncertain significance (2). Last evaluated 2025-08-01.

gnomAD v4.1: 1 of 1,211,638 alleles (0.000083%); highest among the groups gnomAD compares: Non-Finnish European, 0.00011%; no homozygotes.

Submissions (2):

CeGaT Center for Human Genetics Tuebingen
Classification: Uncertain significance. Last evaluated: 2025-08-01. Review status: criteria provided, single submitter. Criteria: CeGaT Center For Human Genetics Tuebingen Variant Classification Criteria Version 2. Collection method: clinical testing. Allele origin: germline. Affected: yes. Observed: 1 variant allele.
Comment: NEXMIF: PM2, BP4

Blueprint Genetics
Classification: Uncertain significance. Last evaluated: 2024-09-16. Review status: criteria provided, single submitter. Criteria: ACMG Guidelines, 2015. Collection method: clinical testing. Allele origin: germline.